The following is an entry in ClinVar:

ClinVar aggregate classification (germline): Uncertain significance (1 of 4 stars; one submission).

Conditions:
2-aminoadipic 2-oxoadipic aciduria (AAKAD). Also called: Aminoadipic aciduria; ALPHA-AMINOADIPIC AND ALPHA-KETOADIPIC ACIDURIA. Identifiers: Orphanet 79154, MedGen C1859817, MONDO:0008774, OMIM 204750.

Allele frequency attached by ClinVar (database versions not stated): TOPMed below 0.00001; gnomAD exomes 0.00001; ExAC 0.00002.
gnomAD v4.1: 7 of 1,613,594 alleles (0.00043%); highest among the groups gnomAD compares: South Asian, 0.0044%; no homozygotes.

Submission:

Labcorp Genetics (formerly Invitae), Labcorp
Classification: Uncertain significance for 2-aminoadipic 2-oxoadipic aciduria. Last evaluated: 2024-11-05. Review status: criteria provided, single submitter. Criteria: Invitae Variant Classification Sherloc (09022015). Collection method: clinical testing. Allele origin: germline.
Comment: This sequence change replaces arginine, which is basic and polar, with glutamine, which is neutral and polar, at codon 755 of the DHTKD1 protein (p.Arg755Gln). This variant is present in population databases (rs780600921, gnomAD 0.007%). This variant has not been reported in the literature in individuals affected with DHTKD1-related conditions. ClinVar contains an entry for this variant (Variation ID: 2168278). Invitae Evidence Modeling of protein sequence and biophysical properties (such as structural, functional, and spatial information, amino acid conservation, physicochemical variation, residue mobility, and thermodynamic stability) indicates that this missense variant is not expected to disrupt DHTKD1 protein function with a negative predictive value of 80%. In summary, the available evidence is currently insufficient to determine the role of this variant in disease. Therefore, it has been classified as a Variant of Uncertain Significance.

NM_018706.7(DHTKD1):c.2264G>A (p.Arg755Gln)

Gene: DHTKD1 (dehydrogenase E1 and transketolase domain containing 1; plus strand). Cytogenetic location: 10p14.
Variant type: single nucleotide variant.
Coding change: c.2264G>A on transcript NM_018706.7 (MANE Select); coding-DNA position 2264, G replaced by A.
Protein change: p.Arg755Gln; replaces arginine 755 with glutamine.
Molecular consequence: missense variant.
Genome position (GRCh38, 1-based): chr10:12,113,009, G>A. VCF-style: chr10-12113009-G-A. GRCh37 (hg19) VCF-style: chr10-12155008-G-A.
Other names: short protein forms R755Q.
Identifiers: ClinVar variation 2168278 (VCV002168278.4), dbSNP rs780600921, ClinGen allele CA5408186.